The following is an entry in ClinVar:

ClinVar aggregate classification (germline): Uncertain significance (1 of 4 stars; one submission).

Conditions:
Nemaline myopathy 6 (NEM6). Also called: Nemaline myopathy 6, autosomal dominant. Identifiers: Orphanet 171439, MedGen C1836472, MONDO:0012237, OMIM 609273.

gnomAD v4.1: 3 of 1,557,276 alleles (0.00019%); highest among the groups gnomAD compares: Non-Finnish European, 0.00017%; no homozygotes.

Submission:

Labcorp Genetics (formerly Invitae), Labcorp
Classification: Uncertain significance for Nemaline myopathy 6. Last evaluated: 2025-12-23. Review status: criteria provided, single submitter. Criteria: Invitae Variant Classification Sherloc (09022015). Collection method: clinical testing. Allele origin: germline.
Comment: This sequence change replaces methionine, which is neutral and non-polar, with threonine, which is neutral and polar, at codon 40 of the KBTBD13 protein (p.Met40Thr). The frequency data for this variant in the population databases is considered unreliable, as metrics indicate poor data quality at this position in the gnomAD database. This variant has not been reported in the literature in individuals affected with KBTBD13-related conditions. Invitae Evidence Modeling of protein sequence and biophysical properties (such as structural, functional, and spatial information, amino acid conservation, physicochemical variation, residue mobility, and thermodynamic stability) has been performed for this missense variant. However, the output from this modeling did not meet the statistical confidence thresholds required to predict the impact of this variant on KBTBD13 protein function. In summary, the available evidence is currently insufficient to determine the role of this variant in disease. Therefore, it has been classified as a Variant of Uncertain Significance.

NM_001101362.3(KBTBD13):c.119T>C (p.Met40Thr)

Gene: KBTBD13 (kelch repeat and BTB domain containing 13; plus strand). Cytogenetic location: 15q22.31.
Variant type: single nucleotide variant.
Coding change: c.119T>C on transcript NM_001101362.3 (MANE Select); coding-DNA position 119, T replaced by C.
Protein change: p.Met40Thr; replaces methionine 40 with threonine.
Molecular consequence: missense variant.
Genome position (GRCh38, 1-based): chr15:65,076,934, T>C. VCF-style: chr15-65076934-T-C. GRCh37 (hg19) VCF-style: chr15-65369272-T-C.
Other names: short protein forms M40T.
Identifiers: ClinVar variation 4762692 (VCV004762692.1).